The following is an entry in ClinVar:

NM_020944.3(GBA2):c.2540G>A (p.Gly847Asp)

Gene: GBA2 (glucosylceramidase beta 2; minus strand). Cytogenetic location: 9p13.3.
Variant type: single nucleotide variant.
Coding change: c.2540G>A on transcript NM_020944.3 (MANE Select); coding-DNA position 2540, G replaced by A.
Protein change: p.Gly847Asp; replaces glycine 847 with aspartic acid.
Molecular consequence: missense variant. On other transcripts: 3 prime UTR variant (1).
Genome position (GRCh38, 1-based): chr9:35,737,413, C>T on the plus strand (G>A on the coding strand, the complement: GBA2 is on the minus strand). VCF-style: chr9-35737413-C-T. GRCh37 (hg19) VCF-style: chr9-35737410-C-T.
Other names: c.*63G>A (NM_001330660.2); short protein forms G847D.
Identifiers: ClinVar variation 863295 (VCV000863295.9), dbSNP rs138519801, ClinGen allele CA5050041.

ClinVar aggregate classification (germline): Uncertain significance (1 of 4 stars; one submission).

Conditions:
Spastic paraplegia. Identifiers: MedGen C0037772, HP:0001258.

Allele frequency attached by ClinVar (database versions not stated): gnomAD exomes below 0.00001; ExAC 0.00001; gnomAD 0.00001; TOPMed 0.00001; ESP Exome Variant Server 0.00008.
gnomAD v4.1: 2 of 1,614,002 alleles (0.00012%); highest among the groups gnomAD compares: Non-Finnish European, 0.00017%; no homozygotes.

Submission:

Labcorp Genetics (formerly Invitae), Labcorp
Classification: Uncertain significance for Spastic paraplegia. Last evaluated: 2019-10-22. Review status: criteria provided, single submitter. Criteria: Invitae Variant Classification Sherloc (09022015). Collection method: clinical testing. Allele origin: germline.
Comment: Algorithms developed to predict the effect of missense changes on protein structure and function are either unavailable or do not agree on the potential impact of this missense change (SIFT: "Deleterious"; PolyPhen-2: "Probably Damaging"; Align-GVGD: "Class C0"). In summary, the available evidence is currently insufficient to determine the role of this variant in disease. Therefore, it has been classified as a Variant of Uncertain Significance. This sequence change replaces glycine with aspartic acid at codon 847 of the GBA2 protein (p.Gly847Asp). The glycine residue is highly conserved and there is a moderate physicochemical difference between glycine and aspartic acid. This variant is present in population databases (rs138519801, ExAC 0.002%).